The following is an entry in ClinVar:

ClinVar aggregate classification (germline): Uncertain significance (1 of 4 stars; one submission).

Conditions:
ABCC2-related disorder. Also called: ABCC2-related condition.

Submission:

PreventionGenetics, part of Exact Sciences
Classification: Uncertain significance for ABCC2-related condition. Last evaluated: 2026-04-17. Review status: criteria provided, single submitter. Criteria: ACMG Guidelines, 2015. Collection method: clinical testing. Allele origin: germline.
Comment: The ABCC2 c.3608C>G variant is predicted to result in the amino acid substitution p.Ser1203Cys. To our knowledge, this variant has not been reported in the literature. This variant is reported in 0.0065% of alleles in individuals of South Asian descent in gnomAD. At this time, the clinical significance of this variant is uncertain due to the absence of conclusive functional and genetic evidence.

NM_000392.5(ABCC2):c.3608C>G (p.Ser1203Cys)

Gene: ABCC2 (ATP binding cassette subfamily C member 2; plus strand). Cytogenetic location: 10q24.2.
Variant type: single nucleotide variant.
Coding change: c.3608C>G on transcript NM_000392.5 (MANE Select); coding-DNA position 3608, C replaced by G.
Protein change: p.Ser1203Cys; replaces serine 1203 with cysteine.
Molecular consequence: missense variant.
Genome position (GRCh38, 1-based): chr10:99,836,284, C>G. VCF-style: chr10-99836284-C-G. GRCh37 (hg19) VCF-style: chr10-101596041-C-G.
Other names: short protein forms S1203C.
Identifiers: ClinVar variation 4995084 (VCV004995084.1).